The following is an entry in ClinVar:

ClinVar aggregate classification (germline): Benign/Likely benign. Review status: criteria provided, multiple submitters, no conflicts (2 of 4 stars). 23 submissions from 16 submitters: Benign (12); Likely benign (6). 5 of the submissions do not count toward it. Last evaluated 2026-02-03.

Conditions:
Autosomal recessive limb-girdle muscular dystrophy type 2J (LGMDR10). Also called: Limb-girdle muscular dystrophy, type 2J; MUSCULAR DYSTROPHY, LIMB-GIRDLE, AUTOSOMAL RECESSIVE 10. Identifiers: Orphanet 140922, MedGen C1837342, MONDO:0012127, OMIM 608807.
Dilated cardiomyopathy 1G (CMD1G). Identifiers: Orphanet 154, MedGen C1858763, MONDO:0011400, OMIM 604145.
Early-onset myopathy with fatal cardiomyopathy (CMYO5). Also called: Salih Myopathy; CONGENITAL MYOPATHY 5 WITH CARDIOMYOPATHY. Identifiers: Orphanet 289377, MedGen C2673677, MONDO:0012714, OMIM 611705. Disease mechanism: loss of function.
Myopathy, myofibrillar, 9, with early respiratory failure (MFM9). Also called: Hereditary myopathy with early respiratory failure; EDSTROM MYOPATHY; MYOPATHY, PROXIMAL, WITH EARLY RESPIRATORY MUSCLE INVOLVEMENT; Myopathy, distal, with early respiratory failure, autosomal dominant. Identifiers: Orphanet 178464, Orphanet 34521, MedGen C1863599, MONDO:0011362, OMIM 603689.
Tibial muscular dystrophy (TMD). Also called: UDD MYOPATHY; Udd Distal Myopathy – Tibial Muscular Dystrophy; Tibial muscular dystrophy, tardive. Identifiers: Orphanet 609, MedGen C1838244, MONDO:0010870, OMIM 600334.

Allele frequency attached by ClinVar (database versions not stated): TOPMed 0.00104; gnomAD 0.00108 and 0.00180; ESP Exome Variant Server 0.00111; gnomAD exomes 0.00212 and 0.00350; ExAC 0.00441; 1000 Genomes Project 30x 0.00593; 1000 Genomes Project 0.00599.
gnomAD v4.1: 3,385 of 1,596,012 alleles (0.21%); highest among the groups gnomAD compares: South Asian, 2.1%; 52 homozygotes.

Submissions (23):

Labcorp Genetics (formerly Invitae), Labcorp
Classification: Benign for Dilated cardiomyopathy 1G; Autosomal recessive limb-girdle muscular dystrophy type 2J. Last evaluated: 2026-02-03. Review status: criteria provided, single submitter. Criteria: Invitae Variant Classification Sherloc (09022015). Collection method: clinical testing. Allele origin: germline.

Genomic Medicine Center of Excellence, King Faisal Specialist Hospital and Research Centre
Classification: Likely benign. Last evaluated: 2025-08-18. Review status: criteria provided, single submitter. Criteria: ACMG Guidelines, 2015. Collection method: clinical testing. Allele origin: germline.

ARUP Laboratories, Molecular Genetics and Genomics, ARUP Laboratories
Classification: Benign. Last evaluated: 2025-06-23. Review status: criteria provided, single submitter. Criteria: ARUP Molecular Germline Variant Investigation Process 2024. Collection method: clinical testing. Allele origin: germline.

Blueprint Genetics
Classification: Likely benign. Last evaluated: 2024-11-26. Review status: criteria provided, single submitter. Criteria: ACMG Guidelines, 2015. Collection method: clinical testing. Allele origin: germline.

Genome-Nilou Lab
Classification: Benign for Autosomal recessive limb-girdle muscular dystrophy type 2J. Last evaluated: 2021-09-10. Review status: criteria provided, single submitter. Criteria: ACMG Guidelines, 2015. Collection method: clinical testing. Allele origin: germline. Affected: no.

Genome-Nilou Lab
Classification: Benign for Myopathy, myofibrillar, 9, with early respiratory failure. Last evaluated: 2021-09-10. Review status: criteria provided, single submitter. Criteria: ACMG Guidelines, 2015. Collection method: clinical testing. Allele origin: germline. Affected: no.

Genome-Nilou Lab
Classification: Benign for Early-onset myopathy with fatal cardiomyopathy. Last evaluated: 2021-09-10. Review status: criteria provided, single submitter. Criteria: ACMG Guidelines, 2015. Collection method: clinical testing. Allele origin: germline. Affected: no.

Genome-Nilou Lab
Classification: Benign for Tibial muscular dystrophy. Last evaluated: 2021-09-10. Review status: criteria provided, single submitter. Criteria: ACMG Guidelines, 2015. Collection method: clinical testing. Allele origin: germline. Affected: no.

Women's Health and Genetics/Laboratory Corporation of America, LabCorp
Classification: Benign. Last evaluated: 2020-01-06. Review status: criteria provided, single submitter. Criteria: LabCorp Variant Classification Summary - May 2015. Collection method: clinical testing. Allele origin: germline.

Illumina Laboratory Services, Illumina
Classification: Likely benign for Early-onset myopathy with fatal cardiomyopathy. Last evaluated: 2018-01-13. Review status: criteria provided, single submitter. Criteria: ICSL Variant Classification Criteria 13 December 2019. Collection method: clinical testing. Allele origin: germline.
Comment: This variant was observed in the ICSL laboratory as part of a predisposition screen in an ostensibly healthy population. It had not been previously curated by ICSL or reported in the Human Gene Mutation Database (HGMD: prior to June 1st, 2018), and was therefore a candidate for classification through an automated scoring system. Utilizing variant allele frequency, disease prevalence and penetrance estimates, and inheritance mode, an automated score was calculated to assess if this variant is too frequent to cause the disease. Based on the score and internal cut-off values, a variant classified as likely benign is not then subjected to further curation. The score for this variant resulted in a classification of likely benign for this disease.

Illumina Laboratory Services, Illumina
Classification: Likely benign for Autosomal recessive limb-girdle muscular dystrophy type 2J. Last evaluated: 2018-01-13. Review status: criteria provided, single submitter. Criteria: ICSL Variant Classification Criteria 13 December 2019. Collection method: clinical testing. Allele origin: germline.
Comment: the same text as in the submission from Illumina Laboratory Services, Illumina above.

Illumina Laboratory Services, Illumina
Classification: Benign for Tibial muscular dystrophy. Last evaluated: 2018-01-13. Review status: criteria provided, single submitter. Criteria: ICSL Variant Classification Criteria 13 December 2019. Collection method: clinical testing. Allele origin: germline.
Comment: This variant was observed in the ICSL laboratory as part of a predisposition screen in an ostensibly healthy population. It had not been previously curated by ICSL or reported in the Human Gene Mutation Database (HGMD: prior to June 1st, 2018), and was therefore a candidate for classification through an automated scoring system. Utilizing variant allele frequency, disease prevalence and penetrance estimates, and inheritance mode, an automated score was calculated to assess if this variant is too frequent to cause the disease. Based on the score and internal cut-off values, a variant classified as benign is not then subjected to further curation. The score for this variant resulted in a classification of benign for this disease.

Illumina Laboratory Services, Illumina
Classification: Benign for Myopathy, myofibrillar, 9, with early respiratory failure. Last evaluated: 2018-01-13. Review status: criteria provided, single submitter. Criteria: ICSL Variant Classification Criteria 13 December 2019. Collection method: clinical testing. Allele origin: germline.
Comment: the same text as in the submission from Illumina Laboratory Services, Illumina above.

Illumina Laboratory Services, Illumina
Classification: Likely benign for Dilated cardiomyopathy 1G. Last evaluated: 2018-01-13. Review status: criteria provided, single submitter. Criteria: ICSL Variant Classification Criteria 13 December 2019. Collection method: clinical testing. Allele origin: germline.
Comment: the same text as in the submission from Illumina Laboratory Services, Illumina above.

Laboratory for Molecular Medicine, Mass General Brigham Personalized Medicine
Classification: Benign. Last evaluated: 2015-02-25. Review status: criteria provided, single submitter. Criteria: LMM Criteria. Collection method: clinical testing. Allele origin: germline. Observed: 14 variant alleles.
Comment: c.83861-13C>T in intron 285 of TTN: This variant is not expected to have clinica l significance because it has been identified in 2.6% (378/14694) of South Asian chromosomes by the Exome Aggregation Consortium (ExAC; dbSNP rs200847757).

Eurofins Ntd Llc (ga)
Classification: Benign. Last evaluated: 2013-10-21. Review status: criteria provided, single submitter. Criteria: EGL Classification Definitions 2015. Collection method: clinical testing. Allele origin: germline. Observed: 1 variant allele, 1 heterozygote.

GeneDx
Classification: Benign. Last evaluated: 2012-12-19. Review status: criteria provided, single submitter. Criteria: GeneDx Variant Classification (06012015). Collection method: clinical testing. Allele origin: germline. Affected: yes.
Comment: This variant is considered likely benign or benign based on one or more of the following criteria: it is a conservative change, it occurs at a poorly conserved position in the protein, it is predicted to be benign by multiple in silico algorithms, and/or has population frequency not consistent with disease.

Breakthrough Genomics
Classification: Likely benign. Review status: criteria provided, single submitter. Criteria: ACMG Guidelines, 2015. Collection method: not provided. Allele origin: germline. Inheritance: Autosomal recessive inheritance. Affected: yes.

Clinical Genetics DNA and cytogenetics Diagnostics Lab, Erasmus MC, Erasmus Medical Center
Classification: Benign. Review status: no assertion criteria provided. Collection method: clinical testing. Allele origin: germline. Affected: yes. Study: VKGL Data-share Consensus. Not counted in ClinVar's aggregate classification.

Clinical Genetics, Academic Medical Center
Classification: Benign. Review status: no assertion criteria provided. Collection method: clinical testing. Allele origin: germline. Affected: yes. Study: VKGL Data-share Consensus. Not counted in ClinVar's aggregate classification.

Diagnostic Laboratory, Department of Genetics, University Medical Center Groningen
Classification: Likely benign. Review status: no assertion criteria provided. Collection method: clinical testing. Allele origin: germline. Affected: yes. Study: VKGL Data-share Consensus. Not counted in ClinVar's aggregate classification.

Joint Genome Diagnostic Labs from Nijmegen and Maastricht, Radboudumc and MUMC+
Classification: Benign. Review status: no assertion criteria provided. Collection method: clinical testing. Allele origin: germline. Affected: yes. Study: VKGL Data-share Consensus. Not counted in ClinVar's aggregate classification.

Laboratory of Diagnostic Genome Analysis, Leiden University Medical Center (LUMC)
Classification: Likely benign. Review status: no assertion criteria provided. Collection method: clinical testing. Allele origin: germline. Affected: yes. Study: VKGL Data-share Consensus. Not counted in ClinVar's aggregate classification.

NM_001267550.2(TTN):c.91565-13C>T

Genes: TTN-AS1 (TTN antisense RNA 1; plus strand), TTN (titin; minus strand). Cytogenetic location: 2q31.2.
Variant type: single nucleotide variant.
Coding change: c.91565-13C>T on transcript NM_001267550.2 (MANE Select); 13 bases into the intron before coding-DNA position 91565, C replaced by T.
Molecular consequence: intron variant.
Genome position (GRCh38, 1-based): chr2:178,550,286, G>A on the plus strand (C>T on the coding strand, the complement: TTN is on the minus strand). VCF-style: chr2-178550286-G-A. GRCh37 (hg19) VCF-style: chr2-179415013-G-A.
Other names: c.64370-13C>T (NM_003319.4); c.64946-13C>T (NM_133437.4); c.64745-13C>T (NM_133432.3); c.83861-13C>T (NM_133378.4); c.86642-13C>T (NM_001256850.1).
Identifiers: ClinVar variation 47510 (VCV000047510.43), dbSNP rs200847757, ClinGen allele CA210979.